The following is an entry in ClinVar:

NM_001365536.1(SCN9A):c.1465T>G (p.Ser489Ala)

Genes: SCN1A-AS1 (SCN1A and SCN9A antisense RNA 1; plus strand), SCN9A (sodium voltage-gated channel alpha subunit 9; minus strand). Cytogenetic location: 2q24.3.
Variant type: single nucleotide variant.
Coding change: c.1465T>G on transcript NM_001365536.1 (MANE Select); coding-DNA position 1465, T replaced by G.
Protein change: p.Ser489Ala; replaces serine 489 with alanine.
Molecular consequence: missense variant.
Genome position (GRCh38, 1-based): chr2:166,286,473, A>C on the plus strand (T>G on the coding strand, the complement: SCN9A is on the minus strand). VCF-style: chr2-166286473-A-C. GRCh37 (hg19) VCF-style: chr2-167142983-A-C.
Other names: c.1465T>G, p.Ser489Ala (NM_002977.4); short protein forms S489A.
Identifiers: ClinVar variation 1048116 (VCV001048116.3), dbSNP rs1697749010, ClinGen allele CA349084682.

ClinVar aggregate classification (germline): Uncertain significance (1 of 4 stars; one submission).

Conditions:
Generalized epilepsy with febrile seizures plus. Also called: Generalized Epilepsy with Febrile Seizures Plus (GEFS+). Identifiers: Orphanet 36387, MedGen C3502809, MONDO:0018214.

Submission:

Breda Genetics srl
Classification: Uncertain significance for Generalized epilepsy with febrile seizures plus. Last evaluated: 2020-04-20. Review status: criteria provided, single submitter. Criteria: ACMG Guidelines, 2015. Collection method: clinical testing. Allele origin: germline. Inheritance: Autosomal dominant inheritance. Affected: yes. Observed: 1 variant allele, 1 heterozygote.
Comment: The variant c.1465T>G (p.Ser489Ala) in the SCN9A gene has not been reported in dbSNP, gnomAD or ClinVar. The nucleotide position is moderately conserved across 35 mammalian species (GERP RS: 3.39). In silico analysis gives inconsistent results. Based on ACMG variant interpretation guidelines we classify this variant as uncertain.